The following is an entry in ClinVar:

NM_000051.4(ATM):c.3656del (p.Leu1219fs)

Gene: ATM (ATM serine/threonine kinase; plus strand). Cytogenetic location: 11q22.3.
Variant type: Deletion.
Coding change: c.3656del on transcript NM_000051.4 (MANE Select); coding-DNA position 3656, one base deleted (T; older notation c.3656delT).
Protein change: p.Leu1219fs; shifts the reading frame from leucine 1219.
Molecular consequence: frameshift variant.
Genome position (GRCh38, 1-based): chr11:108,282,789, T deleted; the last of 4 consecutive T bases (chr11:108,282,786-108,282,789); deleting any one gives the same sequence. VCF-style (leftmost placement, unchanged base first): chr11-108282785-GT-G. GRCh37 (hg19) VCF-style: chr11-108153512-GT-G.
Other names: c.3656del, p.Leu1219fs (NM_001351834.2); short protein forms L1219fs.
Identifiers: ClinVar variation 1733628 (VCV001733628.2), dbSNP rs2546879647, ClinGen allele CA2580083246.
Genomic context (GRCh38, chr11:108,282,785, plus strand): 5'-TCTGAAACTTTTGGATATAGACGTTTAGAAGACTTTATGGCATCTCATTTAGATTATCTG[GT>G]TTTGGAATGGCTAAATCTTCAAGATACTGAATACAACTTATCTTCTTTTCCTTTTATTTT-3'

ClinVar aggregate classification (germline): Pathogenic (1 of 4 stars; one submission).

Conditions:
Hereditary cancer-predisposing syndrome. Also called: Neoplastic Syndromes, Hereditary; Tumor predisposition; Hereditary Cancer Syndrome; Hereditary neoplastic syndrome. Identifiers: Orphanet 140162, MedGen C0027672, MeSH D009386, MONDO:0015356.

Submission:

Ambry Genetics
Classification: Pathogenic for Hereditary cancer-predisposing syndrome. Last evaluated: 2022-01-03. Review status: criteria provided, single submitter. Criteria: Ambry Variant Classification Scheme 2023. Collection method: clinical testing. Allele origin: germline.
Comment: The c.3656delT pathogenic mutation, located in coding exon 24 of the ATM gene, results from a deletion of one nucleotide at nucleotide position 3656, causing a translational frameshift with a predicted alternate stop codon (p.L1219Wfs*4). This alteration is expected to result in loss of function by premature protein truncation or nonsense-mediated mRNA decay. As such, this alteration is interpreted as a disease-causing mutation.